The following is an entry in ClinVar:

NM_001376.5(DYNC1H1):c.2438A>G (p.Gln813Arg)

Gene: DYNC1H1 (dynein cytoplasmic 1 heavy chain 1; plus strand). Cytogenetic location: 14q32.31.
Variant type: single nucleotide variant.
Coding change: c.2438A>G on transcript NM_001376.5 (MANE Select); coding-DNA position 2438, A replaced by G.
Protein change: p.Gln813Arg; replaces glutamine 813 with arginine.
Molecular consequence: missense variant.
Genome position (GRCh38, 1-based): chr14:101,986,663, A>G. VCF-style: chr14-101986663-A-G. GRCh37 (hg19) VCF-style: chr14-102453000-A-G.
Other names: short protein forms Q813R.
Identifiers: ClinVar variation 4809740 (VCV004809740.1).

ClinVar aggregate classification (germline): Uncertain significance (1 of 4 stars; one submission).

Conditions:
Charcot-Marie-Tooth disease axonal type 2O. Also called: CHARCOT-MARIE-TOOTH NEUROPATHY, AXONAL, TYPE 2O; CHARCOT-MARIE-TOOTH DISEASE, AXONAL, AUTOSOMAL DOMINANT, TYPE 2O; Charcot-Marie-Tooth Neuropathy Type 2O; Charcot-Marie-Tooth disease, axonal, type 20. Identifiers: Orphanet 284232, MedGen C3280220, MONDO:0013644, OMIM 614228.

gnomAD v4.1: 3 of 1,613,746 alleles (0.00019%); highest among the groups gnomAD compares: Non-Finnish European, 0.00025%; no homozygotes.

Submission:

Labcorp Genetics (formerly Invitae), Labcorp
Classification: Uncertain significance for Charcot-Marie-Tooth disease axonal type 2O. Last evaluated: 2025-04-22. Review status: criteria provided, single submitter. Criteria: Invitae Variant Classification Sherloc (09022015). Collection method: clinical testing. Allele origin: germline.
Comment: This sequence change replaces glutamine, which is neutral and polar, with arginine, which is basic and polar, at codon 813 of the DYNC1H1 protein (p.Gln813Arg). This variant is present in population databases (no rsID available, gnomAD 0.0009%). This variant has not been reported in the literature in individuals affected with DYNC1H1-related conditions. Invitae Evidence Modeling of protein sequence and biophysical properties (such as structural, functional, and spatial information, amino acid conservation, physicochemical variation, residue mobility, and thermodynamic stability) has been performed for this missense variant. However, the output from this modeling did not meet the statistical confidence thresholds required to predict the impact of this variant on DYNC1H1 protein function. In summary, the available evidence is currently insufficient to determine the role of this variant in disease. Therefore, it has been classified as a Variant of Uncertain Significance.